The following is an entry in ClinVar:

NM_001267550.2(TTN):c.62128_63102delinsGA (p.Lys20710fs)

Genes: TTN-AS1 (TTN antisense RNA 1; plus strand), TTN (titin; minus strand). Cytogenetic location: 2q31.2.
Variant type: Indel.
Coding change: c.62128_63102delinsGA on transcript NM_001267550.2 (MANE Select); coding-DNA positions 62128 to 63102, the reference bases replaced by GA.
Protein change: p.Lys20710fs; shifts the reading frame from lysine 20710.
Molecular consequence: frameshift variant.
Genome position (GRCh38, 1-based): chr2:178,588,623-178,589,597, 975 bases replaced. GRCh37 (hg19): chr2:179,453,350-179,454,324.
Other names: c.57205_58179delinsGA, p.Lys19069fs (NM_001256850.1); c.34933_35907delinsGA, p.Lys11645fs (NM_003319.4); c.54424_55398delinsGA, p.Lys18142fs (NM_133378.4); c.35308_36282delinsGA, p.Lys11770fs (NM_133432.3); c.35509_36483delinsGA, p.Lys11837fs (NM_133437.4); short protein forms K19069fs, K11770fs, K11837fs, K20710fs, K11645fs, K18142fs.
Identifiers: ClinVar variation 959266 (VCV000959266.10), dbSNP rs2049572412, ClinGen allele CA1139657451.

ClinVar aggregate classification (germline): Likely pathogenic (1 of 4 stars; one submission).

Conditions:
Dilated cardiomyopathy 1G (CMD1G). Identifiers: Orphanet 154, MedGen C1858763, MONDO:0011400, OMIM 604145.
Autosomal recessive limb-girdle muscular dystrophy type 2J (LGMDR10). Also called: Limb-girdle muscular dystrophy, type 2J; MUSCULAR DYSTROPHY, LIMB-GIRDLE, AUTOSOMAL RECESSIVE 10. Identifiers: Orphanet 140922, MedGen C1837342, MONDO:0012127, OMIM 608807.

Submission:

Labcorp Genetics (formerly Invitae), Labcorp
Classification: Likely pathogenic for Dilated cardiomyopathy 1G; Autosomal recessive limb-girdle muscular dystrophy type 2J. Last evaluated: 2025-01-27. Review status: criteria provided, single submitter. Criteria: Invitae Variant Classification Sherloc (09022015). Collection method: clinical testing. Allele origin: germline.
Comment: This sequence change creates a premature translational stop signal (p.Lys20710Aspfs*29) in the TTN gene. While this is not anticipated to result in nonsense mediated decay, it is expected to create a truncated TTN protein. This variant has not been reported in the literature in individuals affected with TTN-related conditions. This variant is located in the A band of TTN (PMID: 25589632). Truncating variants in this region are significantly overrepresented in patients affected with dilated cardiomyopathy (PMID: 25589632). Truncating variants in this region have also been reported in individuals affected with autosomal recessive centronuclear myopathy (PMID: 23975875). In summary, the currently available evidence indicates that the variant is pathogenic, but additional data are needed to prove that conclusively. Therefore, this variant has been classified as Likely Pathogenic.

Literature cited by the submitters: PubMed 25589632; PubMed 23975875.